The following is an entry in ClinVar:

ClinVar aggregate classification (germline): Pathogenic (1 of 4 stars; one submission).

Submission:

GeneDx
Classification: Pathogenic. Last evaluated: 2018-02-02. Review status: criteria provided, single submitter. Criteria: GeneDx Variant Classification (06012015). Collection method: clinical testing. Allele origin: germline. Affected: yes.
Comment: The c.241_242insCTT variant in the DDX3X gene has not been reported previously as a pathogenic variant nor as a benign variant, to our knowledge. The c.241_242insCTT variant causes a deletion codon Lysine 81, an insertion of a Threonine, and creates a premature Stop codon, denoted p.Lys81delinsThrTer. This variant is predicted to cause loss of normal protein function either through protein truncation or nonsense-mediated mRNA decay. The c.241_242insCTT variant is not observed in large population cohorts (Lek et al., 2016). We interpret c.241_242insCTT as a pathogenic variant.

NM_001356.5(DDX3X):c.241_242insCTT (p.Lys81delinsThrTer)

Gene: DDX3X (DEAD-box helicase 3 X-linked; plus strand). Cytogenetic location: Xp11.4.
Variant type: Insertion.
Coding change: c.241_242insCTT on transcript NM_001356.5 (MANE Select); coding-DNA positions 241 to 242, CTT inserted.
Protein change: p.Lys81delinsThrTer.
Molecular consequence: nonsense. On other transcripts: 5 prime UTR variant (1), non-coding transcript variant (1).
Genome position: GRCh38 VCF-style: chrX-41341573-A-ACTT. GRCh37 (hg19) VCF-style: chrX-41200826-A-ACTT.
Other names: c.241_242insCTT, p.Lys81delinsThrTer (NM_001193416.3); c.193_194insCTT, p.Lys65delinsThrTer (NM_001193417.3); c.-318_-317insCTT (NM_001363819.1).
Identifiers: ClinVar variation 504166 (VCV000504166.2), dbSNP rs1555952685, ClinGen allele CA658799707.